The following is an entry in ClinVar:

ClinVar aggregate classification (germline): Uncertain significance (1 of 4 stars; one submission).

Conditions:
Hypogonadotropic hypogonadism 2 with or without anosmia (HH2). Also called: HYPOGONADOTROPIC HYPOGONADISM 2 WITHOUT ANOSMIA; HYPOGONADOTROPIC HYPOGONADISM 2 WITH OR WITHOUT ANOSMIA, SUSCEPTIBILITY TO; HYPOGONADOTROPIC HYPOGONADISM 2 WITHOUT ANOSMIA, SUSCEPTIBILITY TO; FGFR1-Related GnRH Deficiency (Kallmann Syndrome 2). Identifiers: Orphanet 478, MedGen C1563720, MONDO:0007844, OMIM 147950. Disease mechanism: loss of function.
Osteoglophonic dysplasia (OGD). Also called: Osteoglophonic dwarfism. Identifiers: Orphanet 2645, MedGen C0432283, MONDO:0008150, OMIM 166250.
Pfeiffer syndrome (ACS5). Also called: ACS V. Identifiers: Orphanet 710, MedGen C0220658, MONDO:0007043, OMIM 101600.

gnomAD v4.1: 16 of 1,614,192 alleles (0.00099%); highest among the groups gnomAD compares: South Asian, 0.016%; no homozygotes.

Submission:

Clinical Genomics Laboratory, Washington University in St. Louis
Classification: Uncertain significance for Pfeiffer syndrome; Osteoglophonic dysplasia; Hypogonadotropic hypogonadism 2 with or without anosmia. Last evaluated: 2025-12-21. Review status: criteria provided, single submitter. Criteria: ACMG Guidelines, 2015. Collection method: clinical testing. Allele origin: germline.
Comment: An FGFR1 c.1517A>G (p.Asn506Ser) variant was identified at a near-heterozygous allelic fraction of 44.6%, a frequency which may be consistent with it being of germline origin. This variant, to our knowledge, has not been reported in the medical literature or the ClinVar database. It is only observed on 16/1,614,192 alleles in the general population (gnomAD v4.1.0), indicating it is not a common variant. Computational predictors suggest that the variant does not impact FGFR1 function. Due to limited information, and based on ACMG/AMP guidelines for variant interpretation (Richards S et al., PMID: 25741868), the clinical significance of this variant is uncertain at this time.

Literature cited by the submitters: uncertain.

NM_023110.3(FGFR1):c.1517A>G (p.Asn506Ser)

Gene: FGFR1 (fibroblast growth factor receptor 1; minus strand). Cytogenetic location: 8p11.23.
Variant type: single nucleotide variant.
Coding change: c.1517A>G on transcript NM_023110.3 (MANE Select); coding-DNA position 1517, A replaced by G.
Protein change: p.Asn506Ser; replaces asparagine 506 with serine.
Molecular consequence: missense variant.
Genome position (GRCh38, 1-based): chr8:38,417,905, T>C on the plus strand (A>G on the coding strand, the complement: FGFR1 is on the minus strand). VCF-style: chr8-38417905-T-C. GRCh37 (hg19) VCF-style: chr8-38275423-T-C.
Other names: c.1511A>G, p.Asn504Ser (NM_001174063.2, NM_001174065.2, NM_001354367.2 and 1 more transcripts); c.1487A>G, p.Asn496Ser (NM_001174064.2); c.1250A>G, p.Asn417Ser (NM_001174066.2, NM_023105.3); c.1610A>G, p.Asn537Ser (NM_001174067.2); c.1238A>G, p.Asn413Ser (NM_001354368.2); c.1505A>G, p.Asn502Ser (NM_001354369.2, NM_001410922.1); c.1244A>G, p.Asn415Ser (NM_001354370.2, NM_023106.3); short protein forms N413S, N417S, N496S, N502S, N537S, N415S, N504S, N506S.
Identifiers: ClinVar variation 4974608 (VCV004974608.1).
Genomic context (GRCh38, chr8:38,417,905, plus strand): 5'-TTGCAAGGACAGAAGCATCACTTACACTTCAACATCTTCACAGCCACTTTGGTCACACGG[T>C]TGGGTTTGTCCTTGTCCAGCCCGATAGCCTCTGCCAACACCACCTGCCCAAAGCAGCCCT-3'
Protein context (NP_075598.2, residues 496-516): EAIGLDKDKP[Asn506Ser]RVTKVAVKML